The following is an entry in ClinVar:

ClinVar aggregate classification (germline): not provided (0 of 4 stars; one submission).

Submission:

ITMI
No classification provided. Condition: AllHighlyPenetrant. Last evaluated: 2013-09-19. Review status: no classification provided. Collection method: reference population. Allele origin: germline.
Comment: Please see associated publication for description of ethnicities

Literature cited by the submitters: PubMed 24728327.

NM_001706.5(BCL6):c.1549_1550delinsAT (p.Ala517Ile)

Genes: BCL6 (BCL6 transcription repressor; minus strand), LOC100131635 (hCG1645011-like; plus strand). Cytogenetic location: 3q27.3.
Variant type: Indel.
Coding change: c.1549_1550delinsAT on transcript NM_001706.5 (MANE Select); coding-DNA positions 1549 to 1550, GC replaced by AT.
Protein change: p.Ala517Ile; replaces alanine 517 with isoleucine.
Molecular consequence: missense variant. On other transcripts: intron variant (1).
Genome position (GRCh38, 1-based): chr3:187,726,889-187,726,890, GC replaced by AT on the plus strand (GC replaced by AT on the coding strand, the reverse complement: BCL6 is on the minus strand). VCF-style: chr3-187726889-GC-AT. GRCh37 (hg19) VCF-style: chr3-187444677-GC-AT.
Other names: c.1549_1550delinsAT, p.Ala517Ile (NM_001130845.2); c.1541-1261_1541-1260delinsAT (NM_001134738.2); short protein forms A517I.
Identifiers: ClinVar variation 133668 (VCV000133668.1), dbSNP rs587778090, ClinGen allele CA157265.